The following is an entry in ClinVar:

ClinVar aggregate classification (germline): Conflicting classifications of pathogenicity. Review status: criteria provided, conflicting classifications (1 of 4 stars). 2 submissions from 2 submitters: Uncertain significance (1); Likely benign (1). Last evaluated 2024-10-25.

Conditions:
Alpha thalassemia-X-linked intellectual disability syndrome (ATRX). Also called: ALPHA-THALASSEMIA/MENTAL RETARDATION SYNDROME, X-LINKED; ATR, NONDELETION TYPE; ATR-X syndrome; Alpha thalassemia mental retardation syndrome, nondeletion type, X-linked; XLMR hypotonic face syndrome; X-linked alpha-thalassemia-mental retardation syndrome. Identifiers: Orphanet 847, MedGen C1845055, MONDO:0010519, OMIM 301040.

Allele frequency attached by ClinVar (database versions not stated): gnomAD exomes below 0.00001; ExAC 0.00001.
gnomAD v4.1: 1 of 1,210,623 alleles (0.000083%); highest among the groups gnomAD compares: Non-Finnish European, 0.00011%; no homozygotes.

Submissions (2):

Women's Health and Genetics/Laboratory Corporation of America, LabCorp
Classification: Uncertain significance. Last evaluated: 2024-10-25. Review status: criteria provided, single submitter. Criteria: LabCorp Variant Classification Summary - May 2015. Collection method: clinical testing. Allele origin: germline.
Comment: Variant summary: ATRX c.4244A>G (p.Asn1415Ser) results in a conservative amino acid change in the encoded protein sequence. Three of five in-silico tools predict a damaging effect of the variant on protein function. The variant allele was found at a frequency of 5.5e-06 in 182546 control chromosomes. The available data on variant occurrences in the general population are insufficient to allow any conclusion about variant significance. c.4244A>G has been reported in the literature in at-least one individual affected with Intellectual disability and macrocephaly (example: Carraro_2019) . These report(s) do not provide unequivocal conclusions about association of the variant with ATR-X Syndrome. To our knowledge, no experimental evidence demonstrating an impact on protein function has been reported. The following publication has been ascertained in the context of this evaluation (PMID: 31144778). ClinVar contains an entry for this variant (Variation ID: 2419212). Based on the evidence outlined above, the variant was classified as uncertain significance.

Labcorp Genetics (formerly Invitae), Labcorp
Classification: Likely benign for Alpha thalassemia-X-linked intellectual disability syndrome. Last evaluated: 2022-04-18. Review status: criteria provided, single submitter. Criteria: Invitae Variant Classification Sherloc (09022015). Collection method: clinical testing. Allele origin: germline.

Literature cited by the submitters: PubMed 31144778 (cited by Women's Health and Genetics/Laboratory Corporation of America, LabCorp).

NM_000489.6(ATRX):c.4244A>G (p.Asn1415Ser)

Gene: ATRX (ATRX chromatin remodeler; minus strand). Cytogenetic location: Xq21.1.
Variant type: single nucleotide variant.
Coding change: c.4244A>G on transcript NM_000489.6 (MANE Select); coding-DNA position 4244, A replaced by G.
Protein change: p.Asn1415Ser; replaces asparagine 1415 with serine.
Molecular consequence: missense variant.
Genome position (GRCh38, 1-based): chrX:77,654,171, T>C on the plus strand (A>G on the coding strand, the complement: ATRX is on the minus strand). VCF-style: chrX-77654171-T-C. GRCh37 (hg19) VCF-style: chrX-76909661-T-C.
Other names: c.4130A>G, p.Asn1377Ser (NM_138270.5); short protein forms N1377S, N1415S.
Identifiers: ClinVar variation 2419212 (VCV002419212.9), dbSNP rs782562458, ClinGen allele CA10457818.
Genomic context (GRCh38, chrX:77,654,171, plus strand): 5'-GATGAATCTTCTTGAACCTTAATACGTCGCCTTTTCTTTTTCTGTTTATAGCTCCGCTGA[T>C]TTTCTTCCAACTCTGCTTTCTTTGCAGACCTGACGAAAATTTAAAACACAAAATAAAATA-3'
Protein context (NP_000480.3, residues 1405-1425): RSAKKAELEE[Asn1415Ser]QRSYKQKKKR